The following is an entry in ClinVar:

ClinVar aggregate classification (germline): Pathogenic (1 of 4 stars; one submission).

Conditions:
Legius syndrome. Identifiers: Orphanet 137605, MedGen C1969623, MONDO:0012669, OMIM 611431. Disease mechanism: loss of function.

Submission:

Labcorp Genetics (formerly Invitae), Labcorp
Classification: Pathogenic for Legius syndrome. Last evaluated: 2021-09-02. Review status: criteria provided, single submitter. Criteria: Invitae Variant Classification Sherloc (09022015). Collection method: clinical testing. Allele origin: germline.
Comment: For these reasons, this variant has been classified as Pathogenic. This variant disrupts a region of the SPRED1 protein in which other variant(s) (p.Ile413Cysfs*18) have been determined to be pathogenic (Invitae). This suggests that this is a clinically significant region of the protein, and that variants that disrupt it are likely to be disease-causing. This variant has not been reported in the literature in individuals affected with SPRED1-related conditions. This variant is not present in population databases (ExAC no frequency). This sequence change creates a premature translational stop signal (p.Leu231*) in the SPRED1 gene. While this is not anticipated to result in nonsense mediated decay, it is expected to disrupt the last 214 amino acid(s) of the SPRED1 protein.

NM_152594.3(SPRED1):c.692del (p.Pro230_Leu231insTer)

Gene: SPRED1 (sprouty related EVH1 domain containing 1; plus strand). Cytogenetic location: 15q14.
Variant type: Deletion.
Coding change: c.692del on transcript NM_152594.3 (MANE Select); coding-DNA position 692, one base deleted (T; older notation c.692delT).
Protein change: p.Pro230_Leu231insTer.
Molecular consequence: nonsense.
Genome position (GRCh38, 1-based): chr15:38,351,021, T deleted; the last of 3 consecutive T bases (chr15:38,351,019-38,351,021); deleting any one gives the same sequence. VCF-style (leftmost placement, unchanged base first): chr15-38351018-CT-C. GRCh37 (hg19) VCF-style: chr15-38643219-CT-C.
Identifiers: ClinVar variation 1415230 (VCV001415230.6), dbSNP rs2141016007, ClinGen allele CA2573150669.